The following is an entry in ClinVar:

ClinVar aggregate classification (germline): Uncertain significance (1 of 4 stars; one submission).

Allele frequency attached by ClinVar (database versions not stated): gnomAD exomes below 0.00001; TOPMed 0.00001; gnomAD 0.00001.
gnomAD v4.1: 6 of 1,606,488 alleles (0.00037%); highest among the groups gnomAD compares: Non-Finnish European, 0.00042%; no homozygotes.

Submission:

Labcorp Genetics (formerly Invitae), Labcorp
Classification: Uncertain significance. Last evaluated: 2022-05-21. Review status: criteria provided, single submitter. Criteria: Invitae Variant Classification Sherloc (09022015). Collection method: clinical testing. Allele origin: germline.
Comment: This variant has not been reported in the literature in individuals affected with MTMR14-related conditions. Algorithms developed to predict the effect of missense changes on protein structure and function (SIFT, PolyPhen-2, Align-GVGD) all suggest that this variant is likely to be disruptive. In summary, the available evidence is currently insufficient to determine the role of this variant in disease. Therefore, it has been classified as a Variant of Uncertain Significance. This variant is not present in population databases (gnomAD no frequency). This sequence change replaces glutamic acid, which is acidic and polar, with valine, which is neutral and non-polar, at codon 31 of the MTMR14 protein (p.Glu31Val).

NM_001077525.3(MTMR14):c.92A>T (p.Glu31Val)

Gene: MTMR14 (myotubularin related protein 14; plus strand). Cytogenetic location: 3p25.3.
Variant type: single nucleotide variant.
Coding change: c.92A>T on transcript NM_001077525.3 (MANE Select); coding-DNA position 92, A replaced by T.
Protein change: p.Glu31Val; replaces glutamic acid 31 with valine.
Molecular consequence: missense variant. On other transcripts: 5 prime UTR variant (23), non-coding transcript variant (9).
Genome position (GRCh38, 1-based): chr3:9,649,675, A>T. VCF-style: chr3-9649675-A-T. GRCh37 (hg19) VCF-style: chr3-9691359-A-T.
Other names: c.92A>T, p.Glu31Val (NM_001077526.3, NM_001400519.1, NM_001400520.1 and 9 more transcripts); c.-42A>T (NM_001400518.1, NM_001400521.1, NM_001400525.1 and 4 more transcripts); c.-414A>T (NM_001400533.1, NM_001400539.1, NM_001400545.1); c.-475A>T (NM_001400534.1, NM_001400538.1, NM_001400541.1 and 2 more transcripts); c.-265A>T (NM_001400535.1); c.-442A>T (NM_001400540.1); c.-677A>T (NM_001400542.1); c.-236A>T (NM_001400543.1); and 4 more; short protein forms E31V.
Identifiers: ClinVar variation 2052674 (VCV002052674.4), dbSNP rs1037528457, ClinGen allele CA70440089.
Genomic context (GRCh38, chr3:9,649,675, plus strand): 5'-CCTCGGCGGGGTCCTCGGCCTCTTCAGGCAACCAGCCGCCTCAGGAGCTGGGGCTTGGGG[A>T]GCTGCTGGAGGAGTTCTCCCGGACTCAGTACCGGGCCAAGGATGGCAGCGGGACCGGCGG-3'
Protein context (NP_001070993.1, residues 21-41): NQPPQELGLG[Glu31Val]LLEEFSRTQY